The following is an entry in ClinVar:

ClinVar aggregate classification (germline): Uncertain significance. Review status: criteria provided, multiple submitters, no conflicts (2 of 4 stars). 2 submissions from 2 submitters: Uncertain significance (2). Last evaluated 2025-05-04.

Conditions:
Inborn genetic diseases. Identifiers: MedGen C0950123, MeSH D030342.

gnomAD v4.1: 1 of 1,613,352 alleles (0.000062%); highest among the groups gnomAD compares: Non-Finnish European, 0.000085%; no homozygotes.

Submissions (2):

Ambry Genetics
Classification: Uncertain significance for Inborn genetic diseases. Last evaluated: 2025-05-04. Review status: criteria provided, single submitter. Criteria: Ambry Variant Classification Scheme 2023. Collection method: clinical testing. Allele origin: germline.

GeneDx
Classification: Uncertain significance. Last evaluated: 2024-12-22. Review status: criteria provided, single submitter. Criteria: GeneDx Variant Classification Process June 2021. Collection method: clinical testing. Allele origin: germline. Affected: yes.
Comment: Not observed at significant frequency in large population cohorts (gnomAD); In silico analysis indicates that this missense variant does not alter protein structure/function; Has not been previously published as pathogenic or benign to our knowledge

NM_002480.3(PPP1R12A):c.1864G>A (p.Glu622Lys)

Gene: PPP1R12A (protein phosphatase 1 regulatory subunit 12A; minus strand). Cytogenetic location: 12q21.2.
Variant type: single nucleotide variant.
Coding change: c.1864G>A on transcript NM_002480.3 (MANE Select); coding-DNA position 1864, G replaced by A.
Protein change: p.Glu622Lys; replaces glutamic acid 622 with lysine.
Molecular consequence: missense variant.
Genome position (GRCh38, 1-based): chr12:79,805,728, C>T on the plus strand (G>A on the coding strand, the complement: PPP1R12A is on the minus strand). VCF-style: chr12-79805728-C-T. GRCh37 (hg19) VCF-style: chr12-80199508-C-T.
Other names: c.1864G>A, p.Glu622Lys (NM_001143885.2, NM_001244990.2); c.1603G>A, p.Glu535Lys (NM_001143886.2); c.1696G>A, p.Glu566Lys (NM_001244992.1); short protein forms E535K, E566K, E622K.
Identifiers: ClinVar variation 3907895 (VCV003907895.2).
Genomic context (GRCh38, chr12:79,805,728, plus strand): 5'-CAGCATTTACAACAGTTGGAGCAACAGGAATGGTCACTGCCGTAGGAACACTGTCCTTTT[C>T]TTTCTCAGTACTATCCTCAGCCCACAAACGATTTGAGGTACTATAGCATCATAAGCAGCA-3'
Protein context (NP_002471.1, residues 612-632): RLWAEDSTEK[Glu622Lys]KDSVPTAVTI